The following is an entry in ClinVar:

ClinVar aggregate classification (germline): Benign/Likely benign. Review status: criteria provided, multiple submitters, no conflicts (2 of 4 stars). 7 submissions from 7 submitters: Benign (1); Likely benign (2). 4 of the submissions do not count toward it. Last evaluated 2026-02-01.

Conditions:
DST-related disorder. Also called: DST-related condition; DST-related disorders.
Hereditary sensory and autonomic neuropathy type 6. Also called: HSAN VI; Neuropathy, hereditary sensory and autonomic, type VI. Identifiers: Orphanet 314381, MedGen C3539003, MONDO:0013839, OMIM 614653.
Epidermolysis bullosa simplex 3, localized or generalized intermediate, with BP230 deficiency (EBS3). Also called: Epidermolysis bullosa simplex, autosomal recessive 2; Epidermolysis bullosa simplex due to BP230 deficiency. Identifiers: Orphanet 412181, MedGen C3809470, MONDO:0014180, OMIM 615425.

Allele frequency attached by ClinVar (database versions not stated): 1000 Genomes Project 0.00080; TOPMed 0.00099; gnomAD exomes 0.00103; 1000 Genomes Project 30x 0.00078; ESP Exome Variant Server 0.00093; gnomAD 0.00117 and 0.00116; ExAC 0.00111.
gnomAD v4.1: 2,525 of 1,612,806 alleles (0.16%); highest among the groups gnomAD compares: Middle Eastern, 0.28%; 2 homozygotes.

Submissions (7):

Labcorp Genetics (formerly Invitae), Labcorp
Classification: Benign for Epidermolysis bullosa simplex 3, localized or generalized intermediate, with BP230 deficiency; Hereditary sensory and autonomic neuropathy type 6. Last evaluated: 2026-02-01. Review status: criteria provided, single submitter. Criteria: Invitae Variant Classification Sherloc (09022015). Collection method: clinical testing. Allele origin: germline.

Mayo Clinic Laboratories, Mayo Clinic
Classification: Likely benign. Last evaluated: 2025-05-27. Review status: criteria provided, single submitter. Criteria: ACMG Guidelines, 2015. Collection method: clinical testing. Allele origin: germline. Observed: 6 variant alleles.
Comment: BS1, BP4, BP7

Blueprint Genetics
Classification: Likely benign. Last evaluated: 2024-11-27. Review status: criteria provided, single submitter. Criteria: ACMG Guidelines, 2015. Collection method: clinical testing. Allele origin: germline.

PreventionGenetics, part of Exact Sciences
Classification: Likely benign for DST-related condition. Last evaluated: 2024-09-04. Review status: no assertion criteria provided. Collection method: clinical testing. Allele origin: germline. Not counted in ClinVar's aggregate classification.
Comment: This variant is classified as likely benign based on ACMG/AMP sequence variant interpretation guidelines (Richards et al. 2015 PMID: 25741868, with internal and published modifications).

Clinical Genetics DNA and cytogenetics Diagnostics Lab, Erasmus MC, Erasmus Medical Center
Classification: Likely benign. Review status: no assertion criteria provided. Collection method: clinical testing. Allele origin: germline. Affected: yes. Study: VKGL Data-share Consensus. Not counted in ClinVar's aggregate classification.

Clinical Genetics, Academic Medical Center
Classification: Likely benign. Review status: no assertion criteria provided. Collection method: clinical testing. Allele origin: germline. Affected: yes. Study: VKGL Data-share Consensus. Not counted in ClinVar's aggregate classification.

Genome Diagnostics Laboratory, University Medical Center Utrecht
Classification: Likely benign. Review status: no assertion criteria provided. Collection method: clinical testing. Allele origin: germline. Affected: yes. Study: VKGL Data-share Consensus. Not counted in ClinVar's aggregate classification.

NM_001374736.1(DST):c.17108+10A>G

Gene: DST (dystonin; minus strand). Cytogenetic location: 6p12.1.
Variant type: single nucleotide variant.
Coding change: c.17108+10A>G on transcript NM_001374736.1 (MANE Select); 10 bases into the intron after coding-DNA position 17108, A replaced by G.
Molecular consequence: intron variant.
Genome position (GRCh38, 1-based): chr6:56,532,334, T>C on the plus strand (A>G on the coding strand, the complement: DST is on the minus strand). VCF-style: chr6-56532334-T-C. GRCh37 (hg19) VCF-style: chr6-56397132-T-C.
Other names: p.?; c.10751+10A>G (NM_001144769.5); c.17108+10A>G (NM_001374722.1); c.17135+10A>G (NM_001374734.1); c.10337+10A>G (NM_001144770.2); c.10217+10A>G (NM_001374730.1, NM_001386100.1, NM_183380.4); c.16475+10A>G (NM_001374729.1); c.9239+10A>G (NM_015548.5).
Identifiers: ClinVar variation 795679 (VCV000795679.18), dbSNP rs191140581, ClinGen allele CA3867527.
Genomic context (GRCh38, chr6:56,532,334, plus strand): 5'-TACAAAATGTCAGTTTTGTAGACAGAGGCCACTGCTACTCTTTCAAAAGAACTGGAAGTA[T>C]ATAAGTTACCTTGTTTCAGCTTTATTAAGCAATGCCTCCCATCTGCTATCCAAGAGACTG-3'